The following is an entry in ClinVar:

ClinVar aggregate classification (germline): Uncertain significance (0 of 4 stars; one submission).

Conditions:
ATRN-related disorder. Also called: ATRN-related condition.

gnomAD v4.1: 44 of 1,614,064 alleles (0.0027%); highest among the groups gnomAD compares: Non-Finnish European, 0.0037%; no homozygotes.

Submission:

PreventionGenetics, part of Exact Sciences
Classification: Uncertain significance for ATRN-related condition. Last evaluated: 2024-08-26. Review status: no assertion criteria provided. Collection method: clinical testing. Allele origin: germline.
Comment: The ATRN c.1361T>G variant is predicted to result in the amino acid substitution p.Leu454Arg. To our knowledge, this variant has not been reported in the literature. This variant is reported in 0.0062% of alleles in individuals of African descent in gnomAD. At this time, the clinical significance of this variant is uncertain due to the absence of conclusive functional and genetic evidence.

NM_139321.3(ATRN):c.1361T>G (p.Leu454Arg)

Gene: ATRN (attractin; plus strand). Cytogenetic location: 20p13.
Variant type: single nucleotide variant.
Coding change: c.1361T>G on transcript NM_139321.3 (MANE Select); coding-DNA position 1361, T replaced by G.
Protein change: p.Leu454Arg; replaces leucine 454 with arginine.
Molecular consequence: missense variant.
Genome position (GRCh38, 1-based): chr20:3,560,819, T>G. VCF-style: chr20-3560819-T-G. GRCh37 (hg19) VCF-style: chr20-3541466-T-G.
Other names: c.1013T>G, p.Leu338Arg (NM_001207047.3); c.1361T>G, p.Leu454Arg (NM_001323332.2, NM_139322.4); short protein forms L338R, L454R.
Identifiers: ClinVar variation 3357535 (VCV003357535.1).